The following is an entry in ClinVar:

ClinVar aggregate classification (germline): Uncertain significance (1 of 4 stars; one submission).

Conditions:
Inborn genetic diseases. Identifiers: MedGen C0950123, MeSH D030342.

Submission:

Ambry Genetics
Classification: Uncertain significance for Inborn genetic diseases. Last evaluated: 2025-01-14. Review status: criteria provided, single submitter. Criteria: Ambry Variant Classification Scheme 2023. Collection method: clinical testing. Allele origin: germline.
Comment: The p.G653A variant (also known as c.1958G>C), located in coding exon 13 of the ASXL1 gene, results from a G to C substitution at nucleotide position 1958. The glycine at codon 653 is replaced by alanine, an amino acid with similar properties. This amino acid position is conserved. In addition, this alteration is predicted to be tolerated by in silico analysis. Based on the available evidence, the clinical significance of this variant remains unclear.

NM_015338.6(ASXL1):c.1958G>C (p.Gly653Ala)

Gene: ASXL1 (ASXL transcriptional regulator 1; plus strand). Cytogenetic location: 20q11.21.
Variant type: single nucleotide variant.
Coding change: c.1958G>C on transcript NM_015338.6 (MANE Select); coding-DNA position 1958, G replaced by C.
Protein change: p.Gly653Ala; replaces glycine 653 with alanine.
Molecular consequence: missense variant.
Genome position (GRCh38, 1-based): chr20:32,434,670, G>C. VCF-style: chr20-32434670-G-C. GRCh37 (hg19) VCF-style: chr20-31022473-G-C.
Other names: c.1775G>C, p.Gly592Ala (NM_001363734.1); short protein forms G592A, G653A.
Identifiers: ClinVar variation 3792296 (VCV003792296.1).